The following is an entry in ClinVar:

ClinVar aggregate classification (germline): Uncertain significance. Review status: criteria provided, multiple submitters, no conflicts (2 of 4 stars). 6 submissions from 6 submitters: Uncertain significance (6). Last evaluated 2025-07-09.

Conditions:
Autosomal recessive nonsyndromic hearing loss 35. Identifiers: Orphanet 90636, MedGen C1837857, MONDO:0012060, OMIM 608565.

Allele frequency attached by ClinVar (database versions not stated): gnomAD 0.00006; gnomAD exomes 0.00006; TOPMed 0.00009; ESP Exome Variant Server 0.00022; ExAC 0.00009.
gnomAD v4.1: 82 of 1,550,350 alleles (0.0053%); highest among the groups gnomAD compares: Middle Eastern, 0.49%; no homozygotes.

Submissions (6):

First Genomix Gene Laboratory, Genetic Diagnostics Department
Classification: Uncertain significance for Autosomal recessive nonsyndromic hearing loss 35. Last evaluated: 2025-07-09. Review status: criteria provided, single submitter. Criteria: ACMG Guidelines, 2015. Collection method: clinical testing. Allele origin: germline. Inheritance: Autosomal recessive inheritance. Affected: no. Observed: 3 variant alleles, 2 heterozygotes, 1 homozygote.
Comment: In addition, the couple also shared a variant of uncertain significance NM_000260.4:c.6194C>G, p.Pro2065Arg in the MYO7A gene.

Labcorp Genetics (formerly Invitae), Labcorp
Classification: Uncertain significance. Last evaluated: 2022-06-29. Review status: criteria provided, single submitter. Criteria: Invitae Variant Classification Sherloc (09022015). Collection method: clinical testing. Allele origin: germline.
Comment: This variant is present in population databases (rs371116651, gnomAD 0.01%). This sequence change replaces glycine, which is neutral and non-polar, with aspartic acid, which is acidic and polar, at codon 499 of the ESRRB protein (p.Gly499Asp). This variant has not been reported in the literature in individuals affected with ESRRB-related conditions. ClinVar contains an entry for this variant (Variation ID: 193673). Algorithms developed to predict the effect of missense changes on protein structure and function (SIFT, PolyPhen-2, Align-GVGD) all suggest that this variant is likely to be tolerated. In summary, the available evidence is currently insufficient to determine the role of this variant in disease. Therefore, it has been classified as a Variant of Uncertain Significance.

Baylor Genetics
Classification: Uncertain significance for Autosomal recessive nonsyndromic hearing loss 35. Last evaluated: 2020-07-30. Review status: criteria provided, single submitter. Criteria: ACMG Guidelines, 2015. Collection method: clinical testing. Allele origin: unknown. Affected: yes.
Comment: This variant was determined to be of uncertain significance according to ACMG Guidelines, 2015 [PMID:25741868].

Illumina Laboratory Services, Illumina
Classification: Uncertain significance for Autosomal recessive nonsyndromic hearing loss 35. Last evaluated: 2018-01-13. Review status: criteria provided, single submitter. Criteria: ICSL Variant Classification Criteria 13 December 2019. Collection method: clinical testing. Allele origin: germline.

Eurofins Ntd Llc (ga)
Classification: Uncertain significance. Last evaluated: 2015-01-22. Review status: criteria provided, single submitter. Criteria: EGL Classification Definitions 2015. Collection method: clinical testing. Allele origin: germline. Observed: 1 variant allele, 1 heterozygote.

Breakthrough Genomics
Classification: Uncertain significance. Review status: criteria provided, single submitter. Criteria: ACMG Guidelines, 2015. Collection method: not provided. Allele origin: germline. Inheritance: Autosomal recessive inheritance. Affected: yes.

NM_001379180.1(ESRRB):c.*1604G>A

Gene: ESRRB (estrogen related receptor beta; plus strand). Cytogenetic location: 14q24.3.
Variant type: single nucleotide variant.
Coding change: c.*1604G>A on transcript NM_001379180.1 (MANE Select); 1604 bases downstream of the stop codon, G replaced by A.
Molecular consequence: 3 prime UTR variant. On other transcripts: missense variant (1).
Genome position (GRCh38, 1-based): chr14:76,500,062, G>A. VCF-style: chr14-76500062-G-A. GRCh37 (hg19) VCF-style: chr14-76966405-G-A.
Other names: c.1496G>A, p.Gly499Asp (NM_004452.4); short protein forms G499D.
Identifiers: ClinVar variation 193673 (VCV000193673.16), dbSNP rs371116651, ClinGen allele CA239256.